The following is an entry in ClinVar:

NM_001605.3(AARS1):c.2818G>A (p.Ala940Thr)

Gene: AARS1 (alanyl-tRNA synthetase 1; minus strand). Cytogenetic location: 16q22.1.
Variant type: single nucleotide variant.
Coding change: c.2818G>A on transcript NM_001605.3 (MANE Select); coding-DNA position 2818, G replaced by A.
Protein change: p.Ala940Thr; replaces alanine 940 with threonine.
Molecular consequence: missense variant.
Genome position (GRCh38, 1-based): chr16:70,252,810, C>T on the plus strand (G>A on the coding strand, the complement: AARS1 is on the minus strand). VCF-style: chr16-70252810-C-T. GRCh37 (hg19) VCF-style: chr16-70286713-C-T.
Other names: short protein forms A940T.
Identifiers: ClinVar variation 3364397 (VCV003364397.2).

ClinVar aggregate classification (germline): Uncertain significance (1 of 4 stars; one submission).

Submission:

GeneDx
Classification: Uncertain significance. Last evaluated: 2025-11-14. Review status: criteria provided, single submitter. Criteria: GeneDx Variant Classification Process June 2021. Collection method: clinical testing. Allele origin: germline.
Comment: Not observed at significant frequency in large population cohorts (gnomAD); In silico analysis supports that this missense variant has a deleterious effect on protein structure/function; Has not been previously published as pathogenic or benign to our knowledge; This variant is associated with the following publications: (PMID: 25817015)